The following is an entry in ClinVar:

NM_000245.4(MET):c.1389G>T (p.Met463Ile)

Gene: MET (MET proto-oncogene, receptor tyrosine kinase; plus strand). Cytogenetic location: 7q31.2.
Variant type: single nucleotide variant.
Coding change: c.1389G>T on transcript NM_000245.4 (MANE Select); coding-DNA position 1389, G replaced by T.
Protein change: p.Met463Ile; replaces methionine 463 with isoleucine.
Molecular consequence: missense variant.
Genome position (GRCh38, 1-based): chr7:116,731,856, G>T. VCF-style: chr7-116731856-G-T. GRCh37 (hg19) VCF-style: chr7-116371910-G-T.
Other names: c.1389G>T, p.Met463Ile (NM_001127500.3, NM_001324401.3); c.99G>T, p.Met33Ile (NM_001324402.2); short protein forms M33I, M463I.
Identifiers: ClinVar variation 3344636 (VCV003344636.2).

ClinVar aggregate classification (germline): Uncertain significance. Review status: criteria provided, single submitter (1 of 4 stars). 2 submissions from 2 submitters: Uncertain significance (1). 1 of the submissions does not count toward it. Last evaluated 2024-07-25.

Conditions:
MET-related disorder. Also called: MET-related condition.
Hereditary cancer-predisposing syndrome. Also called: Tumor predisposition; Hereditary Cancer Syndrome; Hereditary neoplastic syndrome; Neoplastic Syndromes, Hereditary. Identifiers: Orphanet 140162, MedGen C0027672, MeSH D009386, MONDO:0015356.

gnomAD v4.1: 1 of 1,613,962 alleles (0.000062%); highest among the groups gnomAD compares: Admixed American, 0.0017%; no homozygotes.

Submissions (2):

Ambry Genetics
Classification: Uncertain significance for Hereditary cancer-predisposing syndrome. Last evaluated: 2024-07-25. Review status: criteria provided, single submitter. Criteria: Ambry Variant Classification Scheme 2023. Collection method: clinical testing. Allele origin: germline.
Comment: The p.M463I variant (also known as c.1389G>T), located in coding exon 2 of the MET gene, results from a G to T substitution at nucleotide position 1389. The methionine at codon 463 is replaced by isoleucine, an amino acid with highly similar properties. This amino acid position is well conserved in available vertebrate species. In addition, this alteration is predicted to be tolerated by in silico analysis. Based on the available evidence, the clinical significance of this variant remains unclear.

PreventionGenetics, part of Exact Sciences
Classification: Uncertain significance for MET-related condition. Last evaluated: 2024-05-17. Review status: no assertion criteria provided. Collection method: clinical testing. Allele origin: germline. Not counted in ClinVar's aggregate classification.
Comment: The MET c.1389G>T variant is predicted to result in the amino acid substitution p.Met463Ile. To our knowledge, this variant has not been reported in the literature or in a large population database, indicating this variant is rare. This variant is not reported in ClinVar. At this time, the clinical significance of this variant is uncertain due to the absence of conclusive functional and genetic evidence.